The following is an entry in ClinVar:

ClinVar aggregate classification (germline): Likely benign (1 of 4 stars; one submission).

Conditions:
NRP1-related disorder. Also called: NRP1-related condition.

Submission:

PreventionGenetics, part of Exact Sciences
Classification: Likely benign for NRP1-related condition. Last evaluated: 2026-06-30. Review status: criteria provided, single submitter. Criteria: ACMG Guidelines, 2015. Collection method: clinical testing. Allele origin: germline.
Comment: This variant is classified as likely benign based on ACMG/AMP sequence variant interpretation guidelines (Richards et al. 2015 PMID: 25741868, with internal and published modifications).

NM_003873.7(NRP1):c.2046C>T (p.Pro682=)

Gene: NRP1 (neuropilin 1; minus strand). Cytogenetic location: 10p11.22.
Variant type: single nucleotide variant.
Coding change: c.2046C>T on transcript NM_003873.7 (MANE Select); coding-DNA position 2046, C replaced by T.
Protein change: p.Pro682=; no amino-acid change (proline 682 retained).
Molecular consequence: synonymous variant. On other transcripts: non-coding transcript variant (1).
Genome position (GRCh38, 1-based): chr10:33,192,297, G>A on the plus strand (C>T on the coding strand, the complement: NRP1 is on the minus strand). VCF-style: chr10-33192297-G-A. GRCh37 (hg19) VCF-style: chr10-33481225-G-A.
Other names: c.2025C>T, p.Pro675= (NM_001244972.2, NM_001244973.2); c.2046C>T, p.Pro682= (NM_001330068.2).
Identifiers: ClinVar variation 4995529 (VCV004995529.1).
Genomic context (GRCh38, chr10:33,192,297, plus strand): 5'-AGAGAATCTGCAAAGCCATGCAGCCGAAGTGAACTCTGTGATACCTGTGTGATCCTGAAT[G>A]GGTCCCGTCTTGCTGGTCAACACACTCCACTTGAGCTGCACGTGATTGTCATGTTCCCAG-3'
Protein context (NP_003864.5, residues 672-692): KWSVLTSKTG[Pro682=]IQDHTGDGNF